The following is an entry in ClinVar:

NM_000463.3(UGT1A1):c.540A>G (p.Glu180=)

Genes: UGT1A6 (UDP glucuronosyltransferase family 1 member A6; plus strand), UGT1A7 (UDP glucuronosyltransferase family 1 member A7; plus strand), UGT1A8 (UDP glucuronosyltransferase family 1 member A8; plus strand), UGT1A9 (UDP glucuronosyltransferase family 1 member A9; plus strand), UGT1A10 (UDP glucuronosyltransferase family 1 member A10; plus strand) and 5 more. Cytogenetic location: 2q37.1.
Variant type: single nucleotide variant.
Coding change: c.540A>G on transcript NM_000463.3 (MANE Select); coding-DNA position 540, A replaced by G.
Protein change: p.Glu180=; no amino-acid change (glutamic acid 180 retained).
Molecular consequence: synonymous variant. On other transcripts: intron variant (9).
Genome position (GRCh38, 1-based): chr2:233,760,827, A>G. VCF-style: chr2-233760827-A-G. GRCh37 (hg19) VCF-style: chr2-234669473-A-G.
Other names: c.856-6207A>G (NM_019076.5, NM_019075.4, NM_021027.3 and 1 more transcripts); c.61-6207A>G (NM_205862.3); c.862-6207A>G (NM_001072.4); c.868-6207A>G (NM_019078.2, NM_007120.3, NM_019093.4).
Identifiers: ClinVar variation 289602 (VCV000289602.56), dbSNP rs148755655, ClinGen allele CA2179840.

ClinVar aggregate classification (germline): Conflicting classifications of pathogenicity. Review status: criteria provided, conflicting classifications (1 of 4 stars). 9 submissions from 7 submitters: Uncertain significance (4); Likely benign (5). Last evaluated 2026-01-05.

Conditions:
Crigler-Najjar syndrome. Identifiers: Orphanet 205, MedGen C5551003, MONDO:0009044.
Gilbert syndrome. Also called: HYPERBILIRUBINEMIA, GILBERT TYPE; Gilbert Disease; Gilbert's syndrome; HYPERBILIRUBINEMIA I; HYPERBILIRUBINEMIA, ARIAS TYPE. Identifiers: MedGen C0017551, MONDO:0007745, OMIM 143500.
Lucey-Driscoll syndrome (HBLRTFN). Also called: Transient familial neonatal hyperbilirubinemia. Identifiers: Orphanet 2312, MedGen C0270210, MONDO:0009383, OMIM 237900.

Allele frequency attached by ClinVar (database versions not stated): ExAC 0.00154; 1000 Genomes Project 0.00160; gnomAD exomes 0.00166 and 0.00264; TOPMed 0.00168; 1000 Genomes Project 30x 0.00172; gnomAD 0.00184 and 0.00201; ESP Exome Variant Server 0.00215.
gnomAD v4.1: 4,073 of 1,613,502 alleles (0.25%); highest among the groups gnomAD compares: Non-Finnish European, 0.32%; 8 homozygotes.

Submissions (9):

Labcorp Genetics (formerly Invitae), Labcorp
Classification: Likely benign. Last evaluated: 2026-01-05. Review status: criteria provided, single submitter. Criteria: Invitae Variant Classification Sherloc (09022015). Collection method: clinical testing. Allele origin: germline.

ARUP Laboratories, Molecular Genetics and Genomics, ARUP Laboratories
Classification: Likely benign. Last evaluated: 2025-05-28. Review status: criteria provided, single submitter. Criteria: ARUP Molecular Germline Variant Investigation Process 2024. Collection method: clinical testing. Allele origin: germline.

Blueprint Genetics
Classification: Likely benign. Last evaluated: 2024-11-19. Review status: criteria provided, single submitter. Criteria: ACMG Guidelines, 2015. Collection method: clinical testing. Allele origin: germline.

CeGaT Center for Human Genetics Tuebingen
Classification: Likely benign. Last evaluated: 2022-07-01. Review status: criteria provided, single submitter. Criteria: CeGaT Center For Human Genetics Tuebingen Variant Classification Criteria Version 2. Collection method: clinical testing. Allele origin: germline. Affected: yes. Observed: 1 variant allele.
Comment: UGT1A1: BP4, BP7

Eurofins Ntd Llc (ga)
Classification: Uncertain significance. Last evaluated: 2018-03-22. Review status: criteria provided, single submitter. Criteria: EGL ClinVar v180209 classification definitions. Collection method: clinical testing. Allele origin: germline. Observed: 15 variant alleles, 15 heterozygotes.

Illumina Laboratory Services, Illumina
Classification: Uncertain significance for Gilbert syndrome. Last evaluated: 2017-06-04. Review status: criteria provided, single submitter. Criteria: ICSL Variant Classification Criteria 13 December 2019. Collection method: clinical testing. Allele origin: germline.
Comment: This variant was observed as part of a predisposition screen in an ostensibly healthy population. A literature search was performed for the gene, cDNA change, and amino acid change (where applicable). Publications were found based on this search. However, the evidence from the literature, in combination with allele frequency data from public databases where available, was not sufficient to rule this variant in or out of causing disease. Therefore, this variant is classified as a variant of unknown significance.

Illumina Laboratory Services, Illumina
Classification: Uncertain significance for Lucey-Driscoll syndrome. Last evaluated: 2017-06-04. Review status: criteria provided, single submitter. Criteria: ICSL Variant Classification Criteria 13 December 2019. Collection method: clinical testing. Allele origin: germline.
Comment: the same text as in the submission from Illumina Laboratory Services, Illumina above.

Illumina Laboratory Services, Illumina
Classification: Uncertain significance for Crigler-Najjar syndrome. Last evaluated: 2017-04-27. Review status: criteria provided, single submitter. Criteria: ICSL Variant Classification Criteria 13 December 2019. Collection method: clinical testing. Allele origin: germline.

Genetic Services Laboratory, University of Chicago
Classification: Likely benign. Last evaluated: 2017-04-20. Review status: criteria provided, single submitter. Criteria: ACMG Guidelines, 2015. Collection method: clinical testing. Allele origin: germline. Affected: no.

Literature cited by the submitters: PubMed 23290513 (cited by Illumina Laboratory Services, Illumina).